The following is an entry in ClinVar:

NC_000016.9:g.(?_1507235)_(1524975_?)del

Gene: CLCN7 (chloride voltage-gated channel 7; minus strand). Cytogenetic location: 16p13.3.
Variant type: Deletion.
Identifiers: ClinVar variation 1410271 (VCV001410271.5).

ClinVar aggregate classification (germline): Pathogenic (1 of 4 stars; one submission).

Submission:

Labcorp Genetics (formerly Invitae), Labcorp
Classification: Pathogenic. Last evaluated: 2023-12-07. Review status: criteria provided, single submitter. Criteria: Invitae Variant Classification Sherloc (09022015). Collection method: clinical testing. Allele origin: germline.
Comment: This variant is a gross deletion of the genomic region encompassing exon(s) 1-9 of the CLCN7 gene, which includes the initiator codon. This deletion extends beyond the assayed region for this gene and therefore may encompass additional genes. It is expected to result in an absent or disrupted protein product. Loss-of-function variants in CLCN7 are known to be pathogenic (PMID: 14584882, 19953639). This variant has not been reported in the literature in individuals affected with CLCN7-related conditions. For these reasons, this variant has been classified as Pathogenic.

Literature cited by the submitters: PubMed 14584882; PubMed 19953639.